The following is an entry in ClinVar:

ClinVar aggregate classification (germline): Uncertain significance. Review status: criteria provided, multiple submitters, no conflicts (2 of 4 stars). 2 submissions from 2 submitters: Uncertain significance (2). Last evaluated 2024-12-26.

gnomAD v4.1: 1 of 1,598,566 alleles (0.000063%); highest among the groups gnomAD compares: Admixed American, 0.0017%; no homozygotes.

Submissions (2):

Labcorp Genetics (formerly Invitae), Labcorp
Classification: Uncertain significance. Last evaluated: 2024-12-26. Review status: criteria provided, single submitter. Criteria: Invitae Variant Classification Sherloc (09022015). Collection method: clinical testing. Allele origin: germline.
Comment: This sequence change replaces glycine, which is neutral and non-polar, with serine, which is neutral and polar, at codon 8 of the RINT1 protein (p.Gly8Ser). The frequency data for this variant in the population databases is considered unreliable, as metrics indicate poor data quality at this position in the gnomAD database. This variant has not been reported in the literature in individuals affected with RINT1-related conditions. ClinVar contains an entry for this variant (Variation ID: 2496979). An algorithm developed to predict the effect of missense changes on protein structure and function (PolyPhen-2) suggests that this variant is likely to be tolerated. In summary, the available evidence is currently insufficient to determine the role of this variant in disease. Therefore, it has been classified as a Variant of Uncertain Significance.

Ambry Genetics
Classification: Uncertain significance. Last evaluated: 2022-12-23. Review status: criteria provided, single submitter. Criteria: Ambry Variant Classification Scheme 2023. Collection method: clinical testing. Allele origin: germline.
Comment: The p.G8S variant (also known as c.22G>A), located in coding exon 1 of the RINT1 gene, results from a G to A substitution at nucleotide position 22. The glycine at codon 8 is replaced by serine, an amino acid with similar properties. This amino acid position is conserved. In addition, this alteration is predicted to be tolerated by in silico analysis. Since supporting evidence is limited at this time, the clinical significance of this alteration remains unclear.

NM_021930.6(RINT1):c.22G>A (p.Gly8Ser)

Gene: RINT1 (RAD50 interactor 1; plus strand). Cytogenetic location: 7q22.3.
Variant type: single nucleotide variant.
Coding change: c.22G>A on transcript NM_021930.6 (MANE Select); coding-DNA position 22, G replaced by A.
Protein change: p.Gly8Ser; replaces glycine 8 with serine.
Molecular consequence: missense variant. On other transcripts: 5 prime UTR variant (4), non-coding transcript variant (1).
Genome position (GRCh38, 1-based): chr7:105,532,337, G>A. VCF-style: chr7-105532337-G-A. GRCh37 (hg19) VCF-style: chr7-105172784-G-A.
Other names: c.-76G>A (NM_001346599.2); c.-998G>A (NM_001346600.2); c.-901G>A (NM_001346601.2); c.-521G>A (NM_001346603.2); short protein forms G8S.
Identifiers: ClinVar variation 2496979 (VCV002496979.4), dbSNP rs1418678393, ClinGen allele CA368798997.